The following is an entry in ClinVar:

NM_001372044.2(SHANK3):c.2329G>T (p.Glu777Ter)

Gene: SHANK3 (SH3 and multiple ankyrin repeat domains 3; plus strand). Cytogenetic location: 22q13.33.
Variant type: single nucleotide variant.
Coding change: c.2329G>T on transcript NM_001372044.2 (MANE Select); coding-DNA position 2329, G replaced by T.
Protein change: p.Glu777Ter; replaces glutamic acid 777 with a stop codon.
Molecular consequence: nonsense.
Genome position (GRCh38, 1-based): chr22:50,706,146, G>T. VCF-style: chr22-50706146-G-T. GRCh37 (hg19) VCF-style: chr22-51144574-G-T.
Other names: c.2104G>T, p.Glu702Ter (NM_033517.1); short protein forms E702*, E777*.
Identifiers: ClinVar variation 430433 (VCV000430433.3), dbSNP rs1131691960, ClinGen allele CA515257348.
Genomic context (GRCh38, chr22:50,706,146, plus strand): 5'-AAGAGGGCCCCCAGCACCACACTGACCCTGCGCTCCAAGTCCATGACAGCTGAGCTCGAG[G>T]AACTTGGTGAGTGGCGGGGGTGGCGGTGGAGGTGGACGCAGGTGGACGGTCCATGATGGG-3'

ClinVar aggregate classification (germline): Pathogenic (1 of 4 stars; one submission).

Submission:

GeneDx
Classification: Pathogenic. Last evaluated: 2019-09-25. Review status: criteria provided, single submitter. Criteria: GeneDx Variant Classification Process June 2021. Collection method: clinical testing. Allele origin: germline. Affected: yes.
Comment: Nonsense variant predicted to result in protein truncation or nonsense mediated decay in a gene for which loss-of-function is a known mechanism of disease; Not observed in large population cohorts (Lek et al., 2016); Has not been previously published as pathogenic or benign to our knowledge